The following is an entry in ClinVar:

ClinVar aggregate classification (germline): Uncertain significance (1 of 4 stars; one submission).

gnomAD v4.1: 2 of 1,613,734 alleles (0.00012%); highest among the groups gnomAD compares: Non-Finnish European, 0.000085%; no homozygotes.

Submission:

Labcorp Genetics (formerly Invitae), Labcorp
Classification: Uncertain significance. Last evaluated: 2024-12-16. Review status: criteria provided, single submitter. Criteria: Invitae Variant Classification Sherloc (09022015). Collection method: clinical testing. Allele origin: germline.
Comment: This sequence change replaces isoleucine, which is neutral and non-polar, with threonine, which is neutral and polar, at codon 319 of the SRP54 protein (p.Ile319Thr). This variant is not present in population databases (gnomAD no frequency). This variant has not been reported in the literature in individuals affected with SRP54-related conditions. Invitae Evidence Modeling of protein sequence and biophysical properties (such as structural, functional, and spatial information, amino acid conservation, physicochemical variation, residue mobility, and thermodynamic stability) indicates that this missense variant is not expected to disrupt SRP54 protein function with a negative predictive value of 80%. In summary, the available evidence is currently insufficient to determine the role of this variant in disease. Therefore, it has been classified as a Variant of Uncertain Significance.

NM_003136.4(SRP54):c.956T>C (p.Ile319Thr)

Gene: SRP54 (signal recognition particle 54; plus strand). Cytogenetic location: 14q13.2.
Variant type: single nucleotide variant.
Coding change: c.956T>C on transcript NM_003136.4 (MANE Select); coding-DNA position 956, T replaced by C.
Protein change: p.Ile319Thr; replaces isoleucine 319 with threonine.
Molecular consequence: missense variant.
Genome position (GRCh38, 1-based): chr14:35,014,813, T>C. VCF-style: chr14-35014813-T-C. GRCh37 (hg19) VCF-style: chr14-35484019-T-C.
Other names: c.809T>C, p.Ile270Thr (NM_001146282.2); c.956T>C, p.Ile319Thr (NM_001411017.1); short protein forms I270T, I319T.
Identifiers: ClinVar variation 3697663 (VCV003697663.2).
Genomic context (GRCh38, chr14:35,014,813, plus strand): 5'-ACATTGAAGGACTGATAGATAAAGTCAACGAGTTGAAGTTGGATGACAATGAAGCACTTA[T>C]AGAGAAGTTGAAACATGGTATATGAGTGACAAAAAAGCACTTCATCTCAGATTTCTTCCA-3'
Protein context (NP_003127.1, residues 309-329): ELKLDDNEAL[Ile319Thr]EKLKHGQFTL